The following is an entry in ClinVar:

ClinVar aggregate classification (germline): Uncertain significance (1 of 4 stars; one submission).

Conditions:
Charcot-Marie-Tooth disease axonal type 2Z. Also called: CHARCOT-MARIE-TOOTH DISEASE, AXONAL, AUTOSOMAL DOMINANT, TYPE 2Z; CHARCOT-MARIE-TOOTH NEUROPATHY, TYPE 2Z. Identifiers: Orphanet 466768, MedGen C5569025, MONDO:0014736, OMIM 616688.

Submission:

Labcorp Genetics (formerly Invitae), Labcorp
Classification: Uncertain significance for Charcot-Marie-Tooth disease axonal type 2Z. Last evaluated: 2023-06-27. Review status: criteria provided, single submitter. Criteria: Invitae Variant Classification Sherloc (09022015). Collection method: clinical testing. Allele origin: germline.
Comment: In summary, the available evidence is currently insufficient to determine the role of this variant in disease. Therefore, it has been classified as a Variant of Uncertain Significance. Algorithms developed to predict the effect of sequence changes on RNA splicing suggest that this variant may create or strengthen a splice site. This variant has not been reported in the literature in individuals affected with MORC2-related conditions. This variant is not present in population databases (gnomAD no frequency). This sequence change falls in intron 20 of the MORC2 gene. It does not directly change the encoded amino acid sequence of the MORC2 protein.

NM_001303256.3(MORC2):c.2326-11T>A

Gene: MORC2 (MORC family CW-type zinc finger 2; minus strand). Cytogenetic location: 22q12.2.
Variant type: single nucleotide variant.
Coding change: c.2326-11T>A on transcript NM_001303256.3 (MANE Select); 11 bases into the intron before coding-DNA position 2326, T replaced by A.
Molecular consequence: intron variant.
Genome position (GRCh38, 1-based): chr22:30,933,531, A>T on the plus strand (T>A on the coding strand, the complement: MORC2 is on the minus strand). VCF-style: chr22-30933531-A-T. GRCh37 (hg19) VCF-style: chr22-31329518-A-T.
Other names: c.2326-11T>A (NM_001303257.2); c.2140-11T>A (NM_014941.3).
Identifiers: ClinVar variation 2729977 (VCV002729977.3), dbSNP rs2517573659, ClinGen allele CA2697552695.